The following is an entry in ClinVar:

NM_002576.5(PAK1):c.1420T>C (p.Tyr474His)

Gene: PAK1 (p21 (RAC1) activated kinase 1; minus strand). Cytogenetic location: 11q13.5.
Variant type: single nucleotide variant.
Coding change: c.1420T>C on transcript NM_002576.5 (MANE Select); coding-DNA position 1420, T replaced by C.
Protein change: p.Tyr474His; replaces tyrosine 474 with histidine.
Molecular consequence: missense variant. On other transcripts: non-coding transcript variant (1), intron variant (4).
Genome position (GRCh38, 1-based): chr11:77,332,861, A>G on the plus strand (T>C on the coding strand, the complement: PAK1 is on the minus strand). VCF-style: chr11-77332861-A-G. GRCh37 (hg19) VCF-style: chr11-77043906-A-G.
Other names: c.1420T>C, p.Tyr474His (NM_001128620.2, NM_001376268.1, NM_001376269.1 and 18 more transcripts); c.1441T>C, p.Tyr481His (NM_001376272.1); c.1297T>C, p.Tyr433His (NM_001376290.1, NM_001376291.1); c.1243T>C, p.Tyr415His (NM_001376295.1); c.1171T>C, p.Tyr391His (NM_001376301.1); c.1126T>C, p.Tyr376His (NM_001376302.1, NM_001376304.1, NM_001376305.1); c.1132T>C, p.Tyr378His (NM_001376303.1); c.1413+3225T>C (NM_001376293.1, NM_001376292.1, NM_001376289.1); and 1 more; short protein forms Y376H, Y378H, Y391H, Y415H, Y433H, Y474H, Y481H.
Identifiers: ClinVar variation 1700706 (VCV001700706.3), dbSNP rs2136123010, ClinGen allele CA382092466.

ClinVar aggregate classification (germline): Likely pathogenic (1 of 4 stars; one submission).

Conditions:
Intellectual developmental disorder with macrocephaly, seizures, and speech delay. Identifiers: MedGen C4748428, MONDO:0032568, OMIM 618158.

Submission:

MGZ Medical Genetics Center
Classification: Likely pathogenic for Intellectual developmental disorder with macrocephaly, seizures, and speech delay. Last evaluated: 2021-08-30. Review status: criteria provided, single submitter. Criteria: ACMG Guidelines, 2015. Collection method: clinical testing. Allele origin: germline. Affected: yes. Observed: 1 variant allele.
Comment: ACMG criteria applied: PS2, PM2_SUP, PP2